The following is an entry in ClinVar:

NM_153026.3(PRICKLE1):c.1613A>C (p.Asp538Ala)

Gene: PRICKLE1 (prickle planar cell polarity protein 1; minus strand). Cytogenetic location: 12q12.
Variant type: single nucleotide variant.
Coding change: c.1613A>C on transcript NM_153026.3 (MANE Select); coding-DNA position 1613, A replaced by C.
Protein change: p.Asp538Ala; replaces aspartic acid 538 with alanine.
Molecular consequence: missense variant.
Genome position (GRCh38, 1-based): chr12:42,464,421, T>G on the plus strand (A>C on the coding strand, the complement: PRICKLE1 is on the minus strand). VCF-style: chr12-42464421-T-G. GRCh37 (hg19) VCF-style: chr12-42858223-T-G.
Other names: c.1613A>C, p.Asp538Ala (NM_001144881.2, NM_001144882.2, NM_001144883.2); short protein forms D538A.
Identifiers: ClinVar variation 1435935 (VCV001435935.6), dbSNP rs764577468, ClinGen allele CA6519730.

ClinVar aggregate classification (germline): Uncertain significance (1 of 4 stars; one submission).

Conditions:
Epilepsy, progressive myoclonic, 1B. Also called: PME. Identifiers: Orphanet 308, MedGen C2676254, MONDO:0012904, OMIM 612437.

Allele frequency attached by ClinVar (database versions not stated): gnomAD 0.00005; ExAC 0.00006; gnomAD exomes 0.00004 and 0.00002; TOPMed 0.00002.
gnomAD v4.1: 41 of 1,614,016 alleles (0.0025%); highest among the groups gnomAD compares: Non-Finnish European, 0.0028%; no homozygotes.

Submission:

Labcorp Genetics (formerly Invitae), Labcorp
Classification: Uncertain significance for Epilepsy, progressive myoclonic, 1B. Last evaluated: 2025-02-06. Review status: criteria provided, single submitter. Criteria: Invitae Variant Classification Sherloc (09022015). Collection method: clinical testing. Allele origin: germline.
Comment: This sequence change replaces aspartic acid, which is acidic and polar, with alanine, which is neutral and non-polar, at codon 538 of the PRICKLE1 protein (p.Asp538Ala). This variant is present in population databases (rs764577468, gnomAD 0.02%). This variant has not been reported in the literature in individuals affected with PRICKLE1-related conditions. ClinVar contains an entry for this variant (Variation ID: 1435935). Invitae Evidence Modeling of protein sequence and biophysical properties (such as structural, functional, and spatial information, amino acid conservation, physicochemical variation, residue mobility, and thermodynamic stability) has been performed for this missense variant. However, the output from this modeling did not meet the statistical confidence thresholds required to predict the impact of this variant on PRICKLE1 protein function. In summary, the available evidence is currently insufficient to determine the role of this variant in disease. Therefore, it has been classified as a Variant of Uncertain Significance.